The following is an entry in ClinVar:

ClinVar aggregate classification (germline): Pathogenic (1 of 4 stars; one submission).

Submission:

Labcorp Genetics (formerly Invitae), Labcorp
Classification: Pathogenic. Last evaluated: 2025-06-20. Review status: criteria provided, single submitter. Criteria: Invitae Variant Classification Sherloc (09022015). Collection method: clinical testing. Allele origin: germline.
Comment: This sequence change creates a premature translational stop signal (p.Tyr470*) in the POLE gene. It is expected to result in an absent or disrupted protein product. Loss-of-function variants in POLE are known to be pathogenic (PMID: 23230001, 25948378, 30503519). This variant is not present in population databases (gnomAD no frequency). This variant has not been reported in the literature in individuals affected with POLE-related conditions. For these reasons, this variant has been classified as Pathogenic.

Literature cited by the submitters: PubMed 23230001; PubMed 25948378; PubMed 30503519.

NM_006231.4(POLE):c.1409_1412del (p.Leu469_Tyr470insTer)

Gene: POLE (DNA polymerase epsilon, catalytic subunit; minus strand). Cytogenetic location: 12q24.33.
Variant type: Deletion.
Coding change: c.1409_1412del on transcript NM_006231.4 (MANE Select); coding-DNA positions 1409 to 1412, 4 bases deleted (ACAT; older notation c.1409_1412delACAT).
Protein change: p.Leu469_Tyr470insTer.
Molecular consequence: nonsense.
Genome position (GRCh38, 1-based): chr12:132,673,225-132,673,228, ATGT deleted on the plus strand (ACAT on the coding strand, the reverse complement: POLE is on the minus strand); deleting any 4 consecutive bases within chr12:132,673,225-132,673,229 gives the same sequence; the c. name uses the placement nearest the transcript's 3' end. VCF-style (leftmost placement, unchanged base first): chr12-132673224-CATGT-C. GRCh37 (hg19) VCF-style: chr12-133249810-CATGT-C.
Identifiers: ClinVar variation 4721783 (VCV004721783.1).
Genomic context (GRCh38, chr12:132,673,224, plus strand): 5'-CTCGTCGGGCTCCATGGGAATAATGGTGCACAGAGCAAAGATGAATGGGTGGACGTACTT[CATGT>C]ACAGGTAGTAAGTGGCGACAGCATCTGACACAGAATACGTGGCCAGAGTCTGAGGAGAGA-3'